The following is an entry in ClinVar:

NM_020361.5(CPA6):c.494T>C (p.Ile165Thr)

Gene: CPA6 (carboxypeptidase A6; minus strand). Cytogenetic location: 8q13.2.
Variant type: single nucleotide variant.
Coding change: c.494T>C on transcript NM_020361.5 (MANE Select); coding-DNA position 494, T replaced by C.
Protein change: p.Ile165Thr; replaces isoleucine 165 with threonine.
Molecular consequence: missense variant.
Genome position (GRCh38, 1-based): chr8:67,509,557, A>G on the plus strand (T>C on the coding strand, the complement: CPA6 is on the minus strand). VCF-style: chr8-67509557-A-G. GRCh37 (hg19) VCF-style: chr8-68421792-A-G.
Other names: short protein forms I165T.
Identifiers: ClinVar variation 539974 (VCV000539974.8), dbSNP rs1487624789, ClinGen allele CA371261553.

ClinVar aggregate classification (germline): Uncertain significance (1 of 4 stars; one submission).

Conditions:
Febrile seizures, familial, 11 (FEB11). Also called: CONVULSIONS, FAMILIAL FEBRILE, 11. Identifiers: MedGen C3280734, MONDO:0024566, OMIM 614418.

Allele frequency attached by ClinVar (database versions not stated): gnomAD exomes below 0.00001; gnomAD 0.00001; TOPMed below 0.00001.
gnomAD v4.1: 10 of 1,597,258 alleles (0.00063%); highest among the groups gnomAD compares: African/African-American, 0.0027%; no homozygotes.

Submission:

Labcorp Genetics (formerly Invitae), Labcorp
Classification: Uncertain significance for Febrile seizures, familial, 11. Last evaluated: 2017-08-17. Review status: criteria provided, single submitter. Criteria: Invitae Variant Classification Sherloc (09022015). Collection method: clinical testing. Allele origin: germline.
Comment: In summary, the available evidence is currently insufficient to determine the role of this variant in disease. Therefore, it has been classified as a Variant of Uncertain Significance. Algorithms developed to predict the effect of missense changes on protein structure and function (SIFT, PolyPhen-2, Align-GVGD) all suggest that this variant is likely to be disruptive, but these predictions have not been confirmed by published functional studies and their clinical significance is uncertain. This variant has not been reported in the literature in individuals with CPA6-related disease. This variant is not present in population databases (ExAC no frequency). This sequence change replaces isoleucine with threonine at codon 165 of the CPA6 protein (p.Ile165Thr). The isoleucine residue is moderately conserved and there is a moderate physicochemical difference between isoleucine and threonine.